The following is an entry in ClinVar:

NM_015202.5(KATNIP):c.1721G>A (p.Arg574Gln)

Gene: KATNIP (katanin interacting protein; plus strand). Cytogenetic location: 16p12.1.
Variant type: single nucleotide variant.
Coding change: c.1721G>A on transcript NM_015202.5 (MANE Select); coding-DNA position 1721, G replaced by A.
Protein change: p.Arg574Gln; replaces arginine 574 with glutamine.
Molecular consequence: missense variant.
Genome position (GRCh38, 1-based): chr16:27,721,673, G>A. VCF-style: chr16-27721673-G-A. GRCh37 (hg19) VCF-style: chr16-27732994-G-A.
Other names: short protein forms R574Q.
Identifiers: ClinVar variation 3112844 (VCV003112844.2), dbSNP rs545219030, ClinGen allele CA7977790.

ClinVar aggregate classification (germline): Uncertain significance. Review status: criteria provided, multiple submitters, no conflicts (2 of 4 stars). 2 submissions from 2 submitters: Uncertain significance (2). Last evaluated 2025-07-14.

Allele frequency attached by ClinVar (database versions not stated): ExAC 0.00002; gnomAD 0.00002; TOPMed 0.00002; 1000 Genomes Project 30x 0.00031; 1000 Genomes Project 0.00040.
gnomAD v4.1: 22 of 1,614,096 alleles (0.0014%); highest among the groups gnomAD compares: Middle Eastern, 0.016%; no homozygotes.

Submissions (2):

Labcorp Genetics (formerly Invitae), Labcorp
Classification: Uncertain significance. Last evaluated: 2025-07-14. Review status: criteria provided, single submitter. Criteria: Invitae Variant Classification Sherloc (09022015). Collection method: clinical testing. Allele origin: germline.
Comment: This sequence change replaces arginine, which is basic and polar, with glutamine, which is neutral and polar, at codon 574 of the KIAA0556 protein (p.Arg574Gln). This variant is present in population databases (rs545219030, gnomAD 0.01%). This variant has not been reported in the literature in individuals affected with KIAA0556-related conditions. ClinVar contains an entry for this variant (Variation ID: 3112844). An algorithm developed to predict the effect of missense changes on protein structure and function outputs the following: PolyPhen-2: "Benign". The glutamine amino acid residue is found in multiple mammalian species, which suggests that this missense change does not adversely affect protein function. In summary, the available evidence is currently insufficient to determine the role of this variant in disease. Therefore, it has been classified as a Variant of Uncertain Significance.

Ambry Genetics
Classification: Uncertain significance. Last evaluated: 2021-10-11. Review status: criteria provided, single submitter. Criteria: Ambry Variant Classification Scheme 2023. Collection method: clinical testing. Allele origin: germline.